The following is an entry in ClinVar:

NM_004360.5(CDH1):c.315del (p.Thr106fs)

Gene: CDH1 (cadherin 1; plus strand). Cytogenetic location: 16q22.1.
Variant type: Deletion.
Coding change: c.315del on transcript NM_004360.5 (MANE Select); coding-DNA position 315, one base deleted (C; older notation c.315delC).
Protein change: p.Thr106fs; shifts the reading frame from threonine 106.
Molecular consequence: frameshift variant. On other transcripts: 5 prime UTR variant (2).
Genome position (GRCh38, 1-based): chr16:68,801,821, C deleted; the last of 2 consecutive C bases (chr16:68,801,820-68,801,821); deleting either gives the same sequence. VCF-style (leftmost placement, unchanged base first): chr16-68801819-TC-T. GRCh37 (hg19) VCF-style: chr16-68835722-TC-T.
Other names: c.315del (LRG_301t1); c.315del, p.Thr106fs (NM_001317184.2); c.-1301del (NM_001317185.2); c.-1505del (NM_001317186.2); short protein forms T106fs.
Identifiers: ClinVar variation 422315 (VCV000422315.10), dbSNP rs1064795703, ClinGen allele CA16620235.
Genomic context (GRCh38, chr16:68,801,819, plus strand): 5'-GTCAAAAGGCCTCTACGGTTTCATAACCCACAGATCCATTTCTTGGTCTACGCCTGGGAC[TC>T]CACCTACAGAAAGTTTTCCACCAAAGTCACGCTGAATACAGTGGGGCACCACCACCGCCC-3'

ClinVar aggregate classification (germline): Pathogenic. Review status: reviewed by expert panel (3 of 4 stars). 5 submissions from 5 submitters: Pathogenic (1). 4 of the submissions do not count toward it. Last evaluated 2023-08-04.

Conditions:
CDH1-related diffuse gastric and lobular breast cancer syndrome. Also called: CDH1-related diffuse gastric and lobular breast cancer. Identifiers: MedGen CN311521, MONDO:0100488.
Hereditary cancer-predisposing syndrome. Also called: Hereditary neoplastic syndrome; Hereditary Cancer Syndrome; Neoplastic Syndromes, Hereditary; Tumor predisposition. Identifiers: Orphanet 140162, MedGen C0027672, MeSH D009386, MONDO:0015356.
Hereditary diffuse gastric adenocarcinoma (HDGC). Also called: DIFFUSE GASTRIC AND LOBULAR BREAST CANCER SYNDROME. Identifiers: Orphanet 26106, MedGen C1708349, MONDO:0007648, OMIM 137215.

Submissions (5):

Clingen Gastric Cancer Variant Curation Expert Panel
Classification: Pathogenic for CDH1-related diffuse gastric and lobular breast cancer syndrome. Last evaluated: 2023-08-04. Review status: reviewed by expert panel. Criteria: ClinGen CDH1 ACMG Specifications V3.1. Collection method: curation. Allele origin: germline. Inheritance: Autosomal dominant inheritance.
Comment: The c.315delC p.(Thr106Profs) variant is predicted to result in a premature stop codon that leads to nonsense mediate decay (PVS1 and PM5_supporting). The variant is absent in the gnomAD cohort (PM2_supporting). Therefore, this variant meets criteria to be classified as pathogenic based on the ACMG/AMP criteria applied as specified by the CDH1 Variant Curation Expert Panel (CDH1 VCEP specifications version 3.1): PVS1, PM2_supporting, PM5_supporting.

Myriad Genetics, Inc.
Classification: Pathogenic for Hereditary diffuse gastric adenocarcinoma. Last evaluated: 2023-06-08. Review status: criteria provided, single submitter. Criteria: Myriad Autosomal Dominant, Autosomal Recessive and X-Linked Classification Criteria (2023). Collection method: clinical testing. Allele origin: unknown. Not counted in ClinVar's aggregate classification.
Comment: This variant is considered pathogenic. This variant creates a frameshift predicted to result in premature protein truncation.

Labcorp Genetics (formerly Invitae), Labcorp
Classification: Pathogenic for Hereditary diffuse gastric adenocarcinoma. Last evaluated: 2022-12-15. Review status: criteria provided, single submitter. Criteria: Invitae Variant Classification Sherloc (09022015). Collection method: clinical testing. Allele origin: germline. Not counted in ClinVar's aggregate classification.
Comment: This sequence change creates a premature translational stop signal (p.Thr106Profs*11) in the CDH1 gene. It is expected to result in an absent or disrupted protein product. Loss-of-function variants in CDH1 are known to be pathogenic (PMID: 15235021, 20373070). This variant is not present in population databases (gnomAD no frequency). This variant has not been reported in the literature in individuals affected with CDH1-related conditions. ClinVar contains an entry for this variant (Variation ID: 422315). For these reasons, this variant has been classified as Pathogenic.

Ambry Genetics
Classification: Pathogenic for Hereditary cancer-predisposing syndrome. Last evaluated: 2021-06-14. Review status: criteria provided, single submitter. Criteria: Ambry Variant Classification Scheme 2023. Collection method: clinical testing. Allele origin: germline. Not counted in ClinVar's aggregate classification.
Comment: The c.315delC pathogenic mutation, located in coding exon 3 of the CDH1 gene, results from a deletion of one nucleotide at nucleotide position 315, causing a translational frameshift with a predicted alternate stop codon (p.T106Pfs*11). This alteration is expected to result in loss of function by premature protein truncation or nonsense-mediated mRNA decay. As such, this alteration is interpreted as a disease-causing mutation.

GeneDx
Classification: Likely pathogenic. Last evaluated: 2016-10-14. Review status: criteria provided, single submitter. Criteria: GeneDx Variant Classification (06012015). Collection method: clinical testing. Allele origin: germline. Affected: yes. Not counted in ClinVar's aggregate classification.
Comment: This deletion of one nucleotide in CDH1 is denoted c.315delC at the cDNA level and p.Thr106ProfsX11 (T106PfsX11) at the protein level. The normal sequence, with the base that is deleted in braces, is ACTC[C]ACCT. The deletion causes a frameshift which changes a Threonine to a Proline at codon 106, and creates a premature stop codon at position 11 of the new reading frame. Although this variant has not, to our knowledge, been reported in the literature, it is predicted to cause loss of normal protein function through either protein truncation or nonsense-mediated mRNA decay. Based on the currently available information, we consider this deletion to be a likely pathogenic variant.

Literature cited by the submitters: PubMed 15235021 (cited by Labcorp Genetics (formerly Invitae), Labcorp); PubMed 20373070 (cited by Labcorp Genetics (formerly Invitae), Labcorp).